The following is an entry in ClinVar:

ClinVar aggregate classification (germline): Uncertain significance (1 of 4 stars; one submission).

Conditions:
Polyglandular autoimmune syndrome, type 1 (APS1). Also called: HYPOADRENOCORTICISM WITH HYPOPARATHYROIDISM AND SUPERFICIAL MONILIASIS; PGA I; Autoimmune polyendocrinopathy syndrome, type I; Whitaker syndrome; Autoimmune polyendocrinopathy syndrome , type I, with or without reversible metaphyseal dysplasia; AUTOIMMUNE POLYENDOCRINE SYNDROME, TYPE I, WITH OR WITHOUT REVERSIBLE METAPHYSEAL DYSPLASIA. Identifiers: Orphanet 3453, MedGen C0085859, MONDO:0009411, OMIM 240300.

gnomAD v4.1: 1 of 1,546,316 alleles (0.000065%); highest among the groups gnomAD compares: Non-Finnish European, 0.000087%; no homozygotes.

Submission:

Labcorp Genetics (formerly Invitae), Labcorp
Classification: Uncertain significance for Polyglandular autoimmune syndrome, type 1. Last evaluated: 2025-12-03. Review status: criteria provided, single submitter. Criteria: Invitae Variant Classification Sherloc (09022015). Collection method: clinical testing. Allele origin: germline.
Comment: This sequence change falls in intron 1 of the AIRE gene. It does not directly change the encoded amino acid sequence of the AIRE protein. It affects a nucleotide within the consensus splice site. This variant is not present in population databases (gnomAD no frequency). This variant has not been reported in the literature in individuals affected with AIRE-related conditions. Variants that disrupt the consensus splice site are a relatively common cause of aberrant splicing (PMID: 17576681, 9536098). Algorithms developed to predict the effect of sequence changes on RNA splicing suggest that this variant is not likely to affect RNA splicing. In summary, the available evidence is currently insufficient to determine the role of this variant in disease. Therefore, it has been classified as a Variant of Uncertain Significance.

Literature cited by the submitters: PubMed 17576681; PubMed 9536098.

NM_000383.4(AIRE):c.132+5G>T

Gene: AIRE (autoimmune regulator; plus strand). Cytogenetic location: 21q22.3.
Variant type: single nucleotide variant.
Coding change: c.132+5G>T on transcript NM_000383.4 (MANE Select); 5 bases into the intron after coding-DNA position 132, G replaced by T.
Molecular consequence: intron variant.
Genome position (GRCh38, 1-based): chr21:44,286,143, G>T. VCF-style: chr21-44286143-G-T. GRCh37 (hg19) VCF-style: chr21-45706026-G-T.
Identifiers: ClinVar variation 4753411 (VCV004753411.1).
Genomic context (GRCh38, chr21:44,286,143, plus strand): 5'-TCCCACTGCTGCACGCGCTGGCTGACCACGACGTGGTCCCCGAGGACAAGTTTCAGGTGG[G>T]CTCCCCGCCCGCCCCCCGCTGCCCCCAGGCCCTGTGAGCCAGGGATAGTCCCCGGGGAAG-3'